The following is an entry in ClinVar:

ClinVar aggregate classification (germline): Likely pathogenic (1 of 4 stars; one submission).

Submission:

Labcorp Genetics (formerly Invitae), Labcorp
Classification: Likely pathogenic. Last evaluated: 2023-07-28. Review status: criteria provided, single submitter. Criteria: Invitae Variant Classification Sherloc (09022015). Collection method: clinical testing. Allele origin: germline.
Comment: This sequence change affects an acceptor splice site in intron 56 of the MYO15A gene. It is expected to disrupt RNA splicing. Variants that disrupt the donor or acceptor splice site typically lead to a loss of protein function (PMID: 16199547), and loss-of-function variants in MYO15A are known to be pathogenic (PMID: 17546645). This variant is not present in population databases (gnomAD no frequency). This variant has not been reported in the literature in individuals affected with MYO15A-related conditions. Algorithms developed to predict the effect of sequence changes on RNA splicing suggest that this variant may disrupt the consensus splice site. In summary, the currently available evidence indicates that the variant is pathogenic, but additional data are needed to prove that conclusively. Therefore, this variant has been classified as Likely Pathogenic.

Literature cited by the submitters: PubMed 16199547; PubMed 17546645.

NM_016239.4(MYO15A):c.9387-1G>A

Genes: MYO15A (myosin XVA; plus strand), LOC130060418 (ATAC-STARR-seq lymphoblastoid active region 11828; plus strand). Cytogenetic location: 17p11.2.
Variant type: single nucleotide variant.
Coding change: c.9387-1G>A on transcript NM_016239.4 (MANE Select); the canonical splice acceptor site of the intron before coding-DNA position 9387, G replaced by A.
Molecular consequence: splice acceptor variant.
Genome position (GRCh38, 1-based): chr17:18,161,316, G>A. VCF-style: chr17-18161316-G-A. GRCh37 (hg19) VCF-style: chr17-18064630-G-A.
Identifiers: ClinVar variation 2799677 (VCV002799677.3), dbSNP rs2545314608, ClinGen allele CA398635887.